The following is an entry in ClinVar:

NM_001851.6(COL9A1):c.2684C>G (p.Pro895Arg)

Gene: COL9A1 (collagen type IX alpha 1 chain; minus strand). Cytogenetic location: 6q13.
Variant type: single nucleotide variant.
Coding change: c.2684C>G on transcript NM_001851.6 (MANE Select); coding-DNA position 2684, C replaced by G.
Protein change: p.Pro895Arg; replaces proline 895 with arginine.
Molecular consequence: missense variant. On other transcripts: non-coding transcript variant (1).
Genome position (GRCh38, 1-based): chr6:70,216,979, G>C on the plus strand (C>G on the coding strand, the complement: COL9A1 is on the minus strand). VCF-style: chr6-70216979-G-C. GRCh37 (hg19) VCF-style: chr6-70926682-G-C.
Other names: c.1985C>G, p.Pro662Arg (NM_001377289.1); c.1808C>G, p.Pro603Arg (NM_001377290.1); c.1955C>G, p.Pro652Arg (NM_078485.4); short protein forms P895R, P652R, P662R, P603R.
Identifiers: ClinVar variation 2014642 (VCV002014642.4), dbSNP rs758916884, ClinGen allele CA3881695.

ClinVar aggregate classification (germline): Uncertain significance (1 of 4 stars; one submission).

Allele frequency attached by ClinVar (database versions not stated): ExAC 0.00001; gnomAD 0.00001.
gnomAD v4.1: 2 of 1,614,044 alleles (0.00012%); highest among the groups gnomAD compares: East Asian, 0.0045%; no homozygotes.

Submission:

Labcorp Genetics (formerly Invitae), Labcorp
Classification: Uncertain significance. Last evaluated: 2022-07-06. Review status: criteria provided, single submitter. Criteria: Invitae Variant Classification Sherloc (09022015). Collection method: clinical testing. Allele origin: germline.
Comment: In summary, the available evidence is currently insufficient to determine the role of this variant in disease. Therefore, it has been classified as a Variant of Uncertain Significance. Advanced modeling of protein sequence and biophysical properties (such as structural, functional, and spatial information, amino acid conservation, physicochemical variation, residue mobility, and thermodynamic stability) performed at Invitae indicates that this missense variant is not expected to disrupt COL9A1 protein function. This variant has not been reported in the literature in individuals affected with COL9A1-related conditions. This variant is present in population databases (rs758916884, gnomAD 0.006%). This sequence change replaces proline, which is neutral and non-polar, with arginine, which is basic and polar, at codon 895 of the COL9A1 protein (p.Pro895Arg).